The following is an entry in ClinVar:

ClinVar aggregate classification (germline): Uncertain significance (1 of 4 stars; one submission).

Conditions:
Charcot-Marie-Tooth disease type 2. Also called: Charcot-Marie-Tooth type 2. Identifiers: Orphanet 64746, MedGen C0270914, MONDO:0018993.

Submission:

Labcorp Genetics (formerly Invitae), Labcorp
Classification: Uncertain significance for Charcot-Marie-Tooth disease type 2. Last evaluated: 2021-11-24. Review status: criteria provided, single submitter. Criteria: Invitae Variant Classification Sherloc (09022015). Collection method: clinical testing. Allele origin: germline.
Comment: This sequence change creates a premature translational stop signal (p.Gly107Valfs*107) in the MED25 gene. It is expected to result in an absent or disrupted protein product. However, the current clinical and genetic evidence is not sufficient to establish whether loss-of-function variants in MED25 cause disease. This variant is present in population databases (rs776360611, gnomAD 0.003%). This variant has not been reported in the literature in individuals affected with MED25-related conditions. In summary, the available evidence is currently insufficient to determine the role of this variant in disease. Therefore, it has been classified as a Variant of Uncertain Significance.

NM_030973.4(MED25):c.320del (p.Gly107fs)

Gene: MED25 (mediator complex subunit 25; plus strand). Cytogenetic location: 19q13.33.
Variant type: Deletion.
Coding change: c.320del on transcript NM_030973.4 (MANE Select); coding-DNA position 320, one base deleted (G; older notation c.320delG).
Protein change: p.Gly107fs; shifts the reading frame from glycine 107.
Molecular consequence: frameshift variant.
Genome position (GRCh38, 1-based): chr19:49,828,463, G deleted; the last of 5 consecutive G bases (chr19:49,828,459-49,828,463); deleting any one gives the same sequence. VCF-style (leftmost placement, unchanged base first): chr19-49828458-CG-C. GRCh37 (hg19) VCF-style: chr19-50331715-CG-C.
Other names: c.320del, p.Gly107fs (NM_001378355.1); short protein forms G107fs.
Identifiers: ClinVar variation 1499592 (VCV001499592.6), dbSNP rs776360611, ClinGen allele CA9584808.
Genomic context (GRCh38, chr19:49,828,458, plus strand): 5'-TGGGGATGGGGATGATGGCAACCCTGGGGGCTGACCGCTCTGCCCCTGCAGGTTCATGGG[CG>C]GGGGTGGTGAGAGCTGCAGCCTCATCGCGGAAGGACTCAGCACAGCCTTGCAGCTGTTTG-3'